The following is an entry in ClinVar:

NM_001160372.4(TRAPPC9):c.610C>T (p.Arg204Cys)

Gene: TRAPPC9 (trafficking protein particle complex subunit 9; minus strand). Cytogenetic location: 8q24.3.
Variant type: single nucleotide variant.
Coding change: c.610C>T on transcript NM_001160372.4 (MANE Select); coding-DNA position 610, C replaced by T.
Protein change: p.Arg204Cys; replaces arginine 204 with cysteine.
Molecular consequence: missense variant. On other transcripts: non-coding transcript variant (1).
Genome position (GRCh38, 1-based): chr8:140,439,172, G>A on the plus strand (C>T on the coding strand, the complement: TRAPPC9 is on the minus strand). VCF-style: chr8-140439172-G-A. GRCh37 (hg19) VCF-style: chr8-141449271-G-A.
Other names: c.610C>T, p.Arg204Cys (NM_001321646.2, NM_001374683.1, NM_001374684.1 and 1 more transcripts); c.631C>T, p.Arg211Cys (NM_001374682.1); short protein forms R204C, R211C.
Identifiers: ClinVar variation 1698230 (VCV001698230.4), dbSNP rs373708626, ClinGen allele CA4893677.

ClinVar aggregate classification (germline): Uncertain significance. Review status: criteria provided, multiple submitters, no conflicts (2 of 4 stars). 3 submissions from 3 submitters: Uncertain significance (3). Last evaluated 2025-12-22.

Conditions:
Inborn genetic diseases. Identifiers: MedGen C0950123, MeSH D030342.

Allele frequency attached by ClinVar (database versions not stated): gnomAD 0.00001 and 0.00003; ExAC 0.00002; gnomAD exomes 0.00002 and 0.00004; TOPMed 0.00002; ESP Exome Variant Server 0.00015.
gnomAD v4.1: 65 of 1,613,904 alleles (0.004%); highest among the groups gnomAD compares: South Asian, 0.022%; no homozygotes.

Submissions (3):

Ambry Genetics
Classification: Uncertain significance for Inborn genetic diseases. Last evaluated: 2025-12-22. Review status: criteria provided, single submitter. Criteria: Ambry Variant Classification Scheme 2023. Collection method: clinical testing. Allele origin: germline.
Comment: The c.904C>T (p.R302C) alteration is located in exon 3 (coding exon 3) of the TRAPPC9 gene. This alteration results from a C to T substitution at nucleotide position 904, causing the arginine (R) at amino acid position 302 to be replaced by a cysteine (C). Based on data from gnomAD, the T allele has an overall frequency of 0.002% (5/250640) total alleles studied. The highest observed frequency was 0.013% (4/30602) of South Asian alleles. Based on insufficient or conflicting evidence, the clinical significance of this alteration remains unclear.

GeneDx
Classification: Uncertain significance. Last evaluated: 2022-01-21. Review status: criteria provided, single submitter. Criteria: GeneDx Variant Classification Process June 2021. Collection method: clinical testing. Allele origin: germline. Affected: yes.
Comment: Not observed at significant frequency in large population cohorts (gnomAD); In silico analysis supports that this missense variant has a deleterious effect on protein structure/function; Has not been previously published as pathogenic or benign to our knowledge

Labcorp Genetics (formerly Invitae), Labcorp
Classification: Uncertain significance. Last evaluated: 2022-01-06. Review status: criteria provided, single submitter. Criteria: Invitae Variant Classification Sherloc (09022015). Collection method: clinical testing. Allele origin: germline.
Comment: This sequence change replaces arginine, which is basic and polar, with cysteine, which is neutral and slightly polar, at codon 302 of the TRAPPC9 protein (p.Arg302Cys). This variant is present in population databases (rs373708626, gnomAD 0.01%). This variant has not been reported in the literature in individuals affected with TRAPPC9-related conditions. Algorithms developed to predict the effect of missense changes on protein structure and function are either unavailable or do not agree on the potential impact of this missense change (SIFT: "Not Available"; PolyPhen-2: "Probably Damaging"; Align-GVGD: "Not Available"). In summary, the available evidence is currently insufficient to determine the role of this variant in disease. Therefore, it has been classified as a Variant of Uncertain Significance.